The following is an entry in ClinVar:

NM_006308.3(HSPB3):c.44G>T (p.Arg15Leu)

Gene: HSPB3 (heat shock protein family B (small) member 3; plus strand). Cytogenetic location: 5q11.2.
Variant type: single nucleotide variant.
Coding change: c.44G>T on transcript NM_006308.3 (MANE Select); coding-DNA position 44, G replaced by T.
Protein change: p.Arg15Leu; replaces arginine 15 with leucine.
Molecular consequence: missense variant.
Genome position (GRCh38, 1-based): chr5:54,455,833, G>T. VCF-style: chr5-54455833-G-T. GRCh37 (hg19) VCF-style: chr5-53751663-G-T.
Other names: short protein forms R15L.
Identifiers: ClinVar variation 3627678 (VCV003627678.2).

ClinVar aggregate classification (germline): Uncertain significance (1 of 4 stars; one submission).

Conditions:
Neuronopathy, distal hereditary motor, type 2C. Also called: HMN IIC; NEUROPATHY, DISTAL HEREDITARY MOTOR, AUTOSOMAL DOMINANT 4; NEURONOPATHY, DISTAL HEREDITARY MOTOR, HARDING TYPE IIC; NEUROPATHY, DISTAL HEREDITARY MOTOR, HARDING TYPE IIC. Identifiers: Orphanet 139525, MedGen C3150619, MONDO:0013243, OMIM 613376.

Submission:

Labcorp Genetics (formerly Invitae), Labcorp
Classification: Uncertain significance for Neuronopathy, distal hereditary motor, type 2C. Last evaluated: 2024-12-04. Review status: criteria provided, single submitter. Criteria: Invitae Variant Classification Sherloc (09022015). Collection method: clinical testing. Allele origin: germline.
Comment: This sequence change replaces arginine, which is basic and polar, with leucine, which is neutral and non-polar, at codon 15 of the HSPB3 protein (p.Arg15Leu). This variant is present in population databases (rs757814001, gnomAD 0.0009%). This variant has not been reported in the literature in individuals affected with HSPB3-related conditions. An algorithm developed to predict the effect of missense changes on protein structure and function (PolyPhen-2) suggests that this variant is likely to be disruptive. In summary, the available evidence is currently insufficient to determine the role of this variant in disease. Therefore, it has been classified as a Variant of Uncertain Significance.